The following is an entry in ClinVar:

ClinVar aggregate classification (germline): Uncertain significance (1 of 4 stars; one submission).

Submission:

ARUP Laboratories, Molecular Genetics and Genomics, ARUP Laboratories
Classification: Uncertain significance. Last evaluated: 2024-01-02. Review status: criteria provided, single submitter. Criteria: ARUP Molecular Germline Variant Investigation Process 2024. Collection method: clinical testing. Allele origin: germline.
Comment: The COL5A1 c.3766C>T; p.Pro1256Ser variant, to our knowledge, is not reported in the medical literature or gene specific databases. This variant is also absent from the Genome Aggregation Database (v2.1.1), indicating it is not a common polymorphism. Computational analyses are uncertain whether this variant is neutral or deleterious (REVEL: 0.639). Due to limited information, the clinical significance of this variant is uncertain at this time.

NM_000093.5(COL5A1):c.3766C>T (p.Pro1256Ser)

Gene: COL5A1 (collagen type V alpha 1 chain; plus strand). Cytogenetic location: 9q34.3.
Variant type: single nucleotide variant.
Coding change: c.3766C>T on transcript NM_000093.5 (MANE Select); coding-DNA position 3766, C replaced by T.
Protein change: p.Pro1256Ser; replaces proline 1256 with serine.
Molecular consequence: missense variant.
Genome position (GRCh38, 1-based): chr9:134,812,626, C>T. VCF-style: chr9-134812626-C-T. GRCh37 (hg19) VCF-style: chr9-137704472-C-T.
Other names: c.3766C>T, p.Pro1256Ser (NM_001278074.1); short protein forms P1256S.
Identifiers: ClinVar variation 3766864 (VCV003766864.1).